The following is an entry in ClinVar:

NM_018451.5(CPAP):c.1560A>T (p.Thr520=)

Gene: CPAP (centrosome assembly and centriole elongation protein; minus strand). Cytogenetic location: 13q12.13.
Variant type: single nucleotide variant.
Coding change: c.1560A>T on transcript NM_018451.5 (MANE Select); coding-DNA position 1560, A replaced by T.
Protein change: p.Thr520=; no amino-acid change (threonine 520 retained).
Molecular consequence: synonymous variant. On other transcripts: non-coding transcript variant (2).
Genome position (GRCh38, 1-based): chr13:24,906,478, T>A on the plus strand (A>T on the coding strand, the complement: CPAP is on the minus strand). VCF-style: chr13-24906478-T-A. GRCh37 (hg19) VCF-style: chr13-25480616-T-A.
Other names: p.T520T:ACA>ACT.
Identifiers: ClinVar variation 136718 (VCV000136718.18), dbSNP rs17081368, ClinGen allele CA171670.

ClinVar aggregate classification (germline): Benign. Review status: criteria provided, multiple submitters, no conflicts (2 of 4 stars). 7 submissions from 6 submitters: Benign (7). Last evaluated 2026-02-01.

Conditions:
Seckel syndrome 4 (SCKL4). Identifiers: Orphanet 808, MedGen C3888212, MONDO:0013358, OMIM 613676.
Microcephaly 6, primary, autosomal recessive. Identifiers: Orphanet 2512, MedGen C1842109, MONDO:0012029, OMIM 608393.

Allele frequency attached by ClinVar (database versions not stated): gnomAD exomes 0.01178; ExAC 0.01467; gnomAD 0.04494 and 0.04825; 1000 Genomes Project 0.04952; TOPMed 0.04953; 1000 Genomes Project 30x 0.05106; ESP Exome Variant Server 0.05137.
gnomAD v4.1: 13,942 of 1,614,184 alleles (0.86%); highest among the groups gnomAD compares: African/African-American, 16%; 941 homozygotes.

Submissions (7):

Labcorp Genetics (formerly Invitae), Labcorp
Classification: Benign. Last evaluated: 2026-02-01. Review status: criteria provided, single submitter. Criteria: Invitae Variant Classification Sherloc (09022015). Collection method: clinical testing. Allele origin: germline.

Athena Diagnostics
Classification: Benign. Last evaluated: 2024-01-16. Review status: criteria provided, single submitter. Criteria: Athena Diagnostics Criteria. Collection method: clinical testing. Allele origin: unknown.

Illumina Laboratory Services, Illumina
Classification: Benign for Seckel syndrome 4. Last evaluated: 2018-01-13. Review status: criteria provided, single submitter. Criteria: ICSL Variant Classification Criteria 13 December 2019. Collection method: clinical testing. Allele origin: germline.
Comment: This variant was observed in the ICSL laboratory as part of a predisposition screen in an ostensibly healthy population. It had not been previously curated by ICSL or reported in the Human Gene Mutation Database (HGMD: prior to June 1st, 2018), and was therefore a candidate for classification through an automated scoring system. Utilizing variant allele frequency, disease prevalence and penetrance estimates, and inheritance mode, an automated score was calculated to assess if this variant is too frequent to cause the disease. Based on the score and internal cut-off values, a variant classified as benign is not then subjected to further curation. The score for this variant resulted in a classification of benign for this disease.

Illumina Laboratory Services, Illumina
Classification: Benign for Microcephaly 6, primary, autosomal recessive. Last evaluated: 2018-01-13. Review status: criteria provided, single submitter. Criteria: ICSL Variant Classification Criteria 13 December 2019. Collection method: clinical testing. Allele origin: germline.
Comment: the same text as in the submission from Illumina Laboratory Services, Illumina above.

GeneDx
Classification: Benign. Last evaluated: 2014-04-28. Review status: criteria provided, single submitter. Criteria: GeneDx Variant Classification (06012015). Collection method: clinical testing. Allele origin: germline. Affected: yes.
Comment: This variant is considered likely benign or benign based on one or more of the following criteria: it is a conservative change, it occurs at a poorly conserved position in the protein, it is predicted to be benign by multiple in silico algorithms, and/or has population frequency not consistent with disease.

Genetic Services Laboratory, University of Chicago
Classification: Benign. Last evaluated: 2013-02-08. Review status: criteria provided, single submitter. Criteria: ACMG Guidelines, 2007. Collection method: clinical testing. Allele origin: germline. Inheritance: Autosomal recessive inheritance.

Breakthrough Genomics
Classification: Benign. Review status: criteria provided, single submitter. Criteria: ACMG Guidelines, 2015. Collection method: not provided. Allele origin: germline. Inheritance: Autosomal recessive inheritance. Affected: yes.